The following is an entry in ClinVar:

NM_020312.4(COQ9):c.323T>G (p.Leu108Arg)

Gene: COQ9 (coenzyme Q9; plus strand). Cytogenetic location: 16q21.
Variant type: single nucleotide variant.
Coding change: c.323T>G on transcript NM_020312.4 (MANE Select); coding-DNA position 323, T replaced by G.
Protein change: p.Leu108Arg; replaces leucine 108 with arginine.
Molecular consequence: missense variant.
Genome position (GRCh38, 1-based): chr16:57,452,881, T>G. VCF-style: chr16-57452881-T-G. GRCh37 (hg19) VCF-style: chr16-57486793-T-G.
Other names: p.L108R:CTT>CGT; short protein forms L108R.
Identifiers: ClinVar variation 214248 (VCV000214248.29), dbSNP rs11547480, ClinGen allele CA322542.

ClinVar aggregate classification (germline): Conflicting classifications of pathogenicity. Review status: criteria provided, conflicting classifications (1 of 4 stars). 7 submissions from 7 submitters: Uncertain significance (5); Likely benign (1). 1 of the submissions does not count toward it. Last evaluated 2026-01-14.

Conditions:
COQ9-related disorder. Also called: COQ9-related condition.
Encephalopathy-hypertrophic cardiomyopathy-renal tubular disease syndrome. Identifiers: Orphanet 319678, MedGen C3553374, MONDO:0013840, OMIM 614654.

Allele frequency attached by ClinVar (database versions not stated): gnomAD exomes 0.00007 and 0.00021; ExAC 0.00025; 1000 Genomes Project 0.00040; 1000 Genomes Project 30x 0.00047; gnomAD 0.00095 and 0.00101; TOPMed 0.00112; ESP Exome Variant Server 0.00115.
gnomAD v4.1: 252 of 1,613,784 alleles (0.016%); highest among the groups gnomAD compares: African/African-American, 0.28%; no homozygotes.

Submissions (7):

Labcorp Genetics (formerly Invitae), Labcorp
Classification: Likely benign. Last evaluated: 2026-01-14. Review status: criteria provided, single submitter. Criteria: Invitae Variant Classification Sherloc (09022015). Collection method: clinical testing. Allele origin: germline.

GeneDx
Classification: Uncertain significance. Last evaluated: 2025-12-03. Review status: criteria provided, single submitter. Criteria: GeneDx Variant Classification Process June 2021. Collection method: clinical testing. Allele origin: germline. Affected: yes.
Comment: In silico analysis supports that this missense variant has a deleterious effect on protein structure/function; Has not been previously published as pathogenic or benign to our knowledge; In silico analysis suggests this variant may impact gene splicing. In the absence of RNA/functional studies, the actual effect of this sequence change is unknown

Mayo Clinic Laboratories, Mayo Clinic
Classification: Uncertain significance. Last evaluated: 2020-02-04. Review status: criteria provided, single submitter. Criteria: ACMG Guidelines, 2015. Collection method: clinical testing. Allele origin: germline. Observed: 1 variant allele.

Revvity Omics, Revvity
Classification: Uncertain significance for Encephalopathy-hypertrophic cardiomyopathy-renal tubular disease syndrome. Last evaluated: 2019-11-20. Review status: criteria provided, single submitter. Criteria: ACMG Guidelines, 2015. Collection method: clinical testing. Allele origin: germline.

Baylor Genetics
Classification: Uncertain significance for Encephalopathy-hypertrophic cardiomyopathy-renal tubular disease syndrome. Last evaluated: 2019-03-07. Review status: criteria provided, single submitter. Criteria: ACMG Guidelines, 2015. Collection method: clinical testing. Allele origin: unknown. Affected: yes.
Comment: This variant was determined to be of uncertain significance according to ACMG Guidelines, 2015 [PMID:25741868].

Illumina Laboratory Services, Illumina
Classification: Uncertain significance for Encephalopathy-hypertrophic cardiomyopathy-renal tubular disease syndrome. Last evaluated: 2018-01-12. Review status: criteria provided, single submitter. Criteria: ICSL Variant Classification Criteria 13 December 2019. Collection method: clinical testing. Allele origin: germline.

PreventionGenetics, part of Exact Sciences
Classification: Likely benign for COQ9-related condition. Last evaluated: 2022-04-01. Review status: no assertion criteria provided. Collection method: clinical testing. Allele origin: germline. Not counted in ClinVar's aggregate classification.
Comment: This variant is classified as likely benign based on ACMG/AMP sequence variant interpretation guidelines (Richards et al. 2015 PMID: 25741868, with internal and published modifications).